The following is an entry in ClinVar:

ClinVar aggregate classification (germline): Uncertain significance (1 of 4 stars; one submission).

Submission:

Labcorp Genetics (formerly Invitae), Labcorp
Classification: Uncertain significance. Last evaluated: 2025-08-03. Review status: criteria provided, single submitter. Criteria: Invitae Variant Classification Sherloc (09022015). Collection method: clinical testing. Allele origin: germline.
Comment: This sequence change replaces alanine, which is neutral and non-polar, with aspartic acid, which is acidic and polar, at codon 761 of the MYLK3 protein (p.Ala761Asp). This variant is not present in population databases (gnomAD no frequency). This variant has not been reported in the literature in individuals affected with MYLK3-related conditions. An algorithm developed to predict the effect of missense changes on protein structure and function (PolyPhen-2) suggests that this variant is likely to be disruptive. In summary, the available evidence is currently insufficient to determine the role of this variant in disease. Therefore, it has been classified as a Variant of Uncertain Significance.

NM_182493.3(MYLK3):c.2282C>A (p.Ala761Asp)

Gene: MYLK3 (myosin light chain kinase 3; minus strand). Cytogenetic location: 16q11.2.
Variant type: single nucleotide variant.
Coding change: c.2282C>A on transcript NM_182493.3 (MANE Select); coding-DNA position 2282, C replaced by A.
Protein change: p.Ala761Asp; replaces alanine 761 with aspartic acid.
Molecular consequence: missense variant.
Genome position (GRCh38, 1-based): chr16:46,709,657, G>T on the plus strand (C>A on the coding strand, the complement: MYLK3 is on the minus strand). VCF-style: chr16-46709657-G-T. GRCh37 (hg19) VCF-style: chr16-46743569-G-T.
Other names: c.1259C>A, p.Ala420Asp (NM_001308301.1); short protein forms A420D, A761D.
Identifiers: ClinVar variation 4804049 (VCV004804049.1).
Genomic context (GRCh38, chr16:46,709,657, plus strand): 5'-TTGGATCTTGAAGCTTTGGCAGGCAAATTATTCAGCCACTCGTGTTTCAGGCACTGTGTG[G>T]CACTCATTCTGCAGCTGTGAAATCAAAGAGCAGTTAAGACTTTTAGTTGGAGTTGCCTTT-3'
Protein context (NP_872299.2, residues 751-771): LVKEKSCRMS[Ala761Asp]TQCLKHEWLN